The following is an entry in ClinVar:

NM_177438.3(DICER1):c.3278A>G (p.Asn1093Ser)

Gene: DICER1 (dicer 1, ribonuclease III; minus strand). Cytogenetic location: 14q32.13.
Variant type: single nucleotide variant.
Coding change: c.3278A>G on transcript NM_177438.3 (MANE Select); coding-DNA position 3278, A replaced by G.
Protein change: p.Asn1093Ser; replaces asparagine 1093 with serine.
Molecular consequence: missense variant. On other transcripts: non-coding transcript variant (4).
Genome position (GRCh38, 1-based): chr14:95,104,118, T>C on the plus strand (A>G on the coding strand, the complement: DICER1 is on the minus strand). VCF-style: chr14-95104118-T-C. GRCh37 (hg19) VCF-style: chr14-95570455-T-C.
Other names: c.3278A>G, p.Asn1093Ser (NM_001195573.1, NM_001271282.3, NM_001291628.2 and 12 more transcripts); c.2996A>G, p.Asn999Ser (NM_001395686.1); c.1595A>G, p.Asn532Ser (NM_001395697.1); c.2873A>G, p.Asn958Ser (NM_001395687.1, NM_001395688.1, NM_001395689.1 and 2 more transcripts); c.2711A>G, p.Asn904Ser (NM_001395691.1); short protein forms N1093S, N532S, N904S, N958S, N999S.
Identifiers: ClinVar variation 4083247 (VCV004083247.1).
Genomic context (GRCh38, chr14:95,104,118, plus strand): 5'-GAGTTAGAAATTGAGATGAAAGATTTGCTGTCAATAGATTTTTTCCACCCGAAGTCTAAG[T>C]TAGGGTATCTGCAAAGACATTTTTATAACTTTACATCAGATTCTTCAAAACAGCTAGGCT-3'
Protein context (NP_803187.1, residues 1083-1103): RSLPADFRYP[Asn1093Ser]LDFGWKKSID

ClinVar aggregate classification (germline): Uncertain significance (1 of 4 stars; one submission).

Submission:

GeneDx
Classification: Uncertain significance. Last evaluated: 2025-03-13. Review status: criteria provided, single submitter. Criteria: GeneDx Variant Classification Process June 2021. Collection method: clinical testing. Allele origin: germline. Affected: yes.
Comment: Not observed at significant frequency in large population cohorts (gnomAD); In silico analysis indicates that this missense variant does not alter protein structure/function; Has not been previously published as pathogenic or benign to our knowledge